The following is an entry in ClinVar:

ClinVar aggregate classification (germline): Uncertain significance. Review status: criteria provided, multiple submitters, no conflicts (2 of 4 stars). 3 submissions from 3 submitters: Uncertain significance (2). 1 of the submissions does not count toward it. Last evaluated 2025-01-24.

Conditions:
Cholestasis, intrahepatic, of pregnancy, 3. Identifiers: Orphanet 69665, MedGen C3554241, MONDO:0013995, OMIM 614972.
Progressive familial intrahepatic cholestasis type 2. Identifiers: Orphanet 79304, MedGen C3489789, MONDO:0011156, OMIM 601847.

Allele frequency attached by ClinVar (database versions not stated): gnomAD exomes below 0.00001 and 0.00001; gnomAD 0.00001; TOPMed 0.00001.
gnomAD v4.1: 9 of 1,612,778 alleles (0.00056%); highest among the groups gnomAD compares: African/African-American, 0.0027%; no homozygotes.

Submissions (3):

Broad Center for Mendelian Genomics, Broad Institute of MIT and Harvard
Classification: Uncertain significance for Progressive familial intrahepatic cholestasis type 2. Last evaluated: 2025-01-24. Review status: criteria provided, single submitter. Criteria: ACMG Guidelines, 2015. Collection method: curation. Allele origin: germline. Inheritance: Autosomal recessive inheritance.
Comment: The p.Asp590Gly variant in ABCB11 has not been previously reported in the literature in individuals with BSEP deficiency, but has been identified in 0.0003% (2/74812) of African/African American chromosomes by the Genome Aggregation Database (gnomAD; dbSNP rs886044710). Although this variant has been seen in the general population in a heterozygous state, its frequency is low enough to be consistent with a recessive carrier frequency. This variant has also been reported in ClinVar (Variation ID: 291278) and has been interpreted as a variant of uncertain significance by Eurofins Ntd Llc (ga) and as likely pathogenic by NIHR Bioresource Rare Diseases (University of Cambridge). Computational prediction tools and conservation analyses suggest that this variant may impact the protein, though this information is not predictive enough to determine pathogenicity. In summary, the clinical significance of the p.Asp590Gly variant is uncertain. ACMG/AMP Criteria applied: PP3_moderate, PM2_supporting (Richards 2015).

Eurofins Ntd Llc (ga)
Classification: Uncertain significance. Last evaluated: 2016-09-22. Review status: criteria provided, single submitter. Criteria: EGL Classification Definitions 2015. Collection method: clinical testing. Allele origin: germline. Observed: 1 variant allele, 1 heterozygote.

NIHR Bioresource Rare Diseases, University of Cambridge
Classification: Likely pathogenic for Cholestasis, intrahepatic, of pregnancy, 3. Review status: no assertion criteria provided. Collection method: research. Allele origin: unknown. Affected: yes. Observed: 1 variant allele. Not counted in ClinVar's aggregate classification.

Literature cited by the submitters: PubMed 32581362 (cited by NIHR Bioresource Rare Diseases, University of Cambridge).

NM_003742.4(ABCB11):c.1769A>G (p.Asp590Gly)

Gene: ABCB11 (ATP binding cassette subfamily B member 11; minus strand). Cytogenetic location: 2q31.1.
Variant type: single nucleotide variant.
Coding change: c.1769A>G on transcript NM_003742.4 (MANE Select); coding-DNA position 1769, A replaced by G.
Protein change: p.Asp590Gly; replaces aspartic acid 590 with glycine.
Molecular consequence: missense variant.
Genome position (GRCh38, 1-based): chr2:168,970,085, T>C on the plus strand (A>G on the coding strand, the complement: ABCB11 is on the minus strand). VCF-style: chr2-168970085-T-C. GRCh37 (hg19) VCF-style: chr2-169826595-T-C.
Other names: NM_003742.4(ABCB11):c.1769A>G; p.Asp590Gly; c.1769A>G, p.Asp590Gly (LRG_1199t1); short protein forms D590G.
Identifiers: ClinVar variation 291278 (VCV000291278.6), dbSNP rs886044710, ClinGen allele CA10607090.